The following is an entry in ClinVar:

ClinVar aggregate classification (germline): Pathogenic (1 of 4 stars; one submission).

Conditions:
Neurofibromatosis, type 1 (NF1). Also called: NEUROFIBROMATOSIS, TYPE I, SOMATIC; VON RECKLINGHAUSEN DISEASE; Peripheral type neurofibromatosis; Neurofibromatosis, type I. Identifiers: Orphanet 636, MedGen C0027831, MONDO:0018975, OMIM 162200. Disease mechanism: loss of function.

Submission:

Labcorp Genetics (formerly Invitae), Labcorp
Classification: Pathogenic for Neurofibromatosis, type 1. Last evaluated: 2022-02-08. Review status: criteria provided, single submitter. Criteria: Invitae Variant Classification Sherloc (09022015). Collection method: clinical testing. Allele origin: germline.
Comment: For these reasons, this variant has been classified as Pathogenic. This variant has not been reported in the literature in individuals affected with NF1-related conditions. This variant is not present in population databases (gnomAD no frequency). This sequence change creates a premature translational stop signal (p.Ala203Profs*2) in the NF1 gene. It is expected to result in an absent or disrupted protein product. Loss-of-function variants in NF1 are known to be pathogenic (PMID: 10712197, 23913538).

Literature cited by the submitters: PubMed 10712197; PubMed 23913538.

NM_001042492.3(NF1):c.606del (p.Ala203fs)

Gene: NF1 (neurofibromin 1; plus strand). Cytogenetic location: 17q11.2.
Variant type: Deletion.
Coding change: c.606del on transcript NM_001042492.3 (MANE Select); coding-DNA position 606, one base deleted (A; older notation c.606delA).
Protein change: p.Ala203fs; shifts the reading frame from alanine 203.
Molecular consequence: frameshift variant.
Genome position (GRCh38, 1-based): chr17:31,181,441, A deleted; the last of 3 consecutive A bases (chr17:31,181,439-31,181,441); deleting any one gives the same sequence. VCF-style (leftmost placement, unchanged base first): chr17-31181438-TA-T. GRCh37 (hg19) VCF-style: chr17-29508456-TA-T.
Other names: c.606delA, p.Ala203Profs (NM_000267.4); c.606del, p.Ala203fs (NM_001128147.3); short protein forms A203fs.
Identifiers: ClinVar variation 1451932 (VCV001451932.6), dbSNP rs2143774090, ClinGen allele CA2573153558.